The following is an entry in ClinVar:

NM_001145809.2(MYH14):c.4112C>G (p.Thr1371Arg)

Gene: MYH14 (myosin heavy chain 14; plus strand). Cytogenetic location: 19q13.33.
Variant type: single nucleotide variant.
Coding change: c.4112C>G on transcript NM_001145809.2 (MANE Select); coding-DNA position 4112, C replaced by G.
Protein change: p.Thr1371Arg; replaces threonine 1371 with arginine.
Molecular consequence: missense variant.
Genome position (GRCh38, 1-based): chr19:50,280,116, C>G. VCF-style: chr19-50280116-C-G. GRCh37 (hg19) VCF-style: chr19-50783373-C-G.
Other names: c.4013C>G, p.Thr1338Arg (NM_001077186.2); c.3989C>G, p.Thr1330Arg (NM_024729.4); short protein forms T1330R, T1338R, T1371R.
Identifiers: ClinVar variation 3033612 (VCV003033612.2), dbSNP rs2514431452, ClinGen allele CA406957318.

ClinVar aggregate classification (germline): Uncertain significance (0 of 4 stars; one submission).

Conditions:
MYH14-related disorder. Also called: MYH14-related condition.

gnomAD v4.1: 1 of 1,607,494 alleles (0.000062%); highest among the groups gnomAD compares: Non-Finnish European, 0.000085%; no homozygotes.

Submission:

PreventionGenetics, part of Exact Sciences
Classification: Uncertain significance for MYH14-related condition. Last evaluated: 2023-12-13. Review status: no assertion criteria provided. Collection method: clinical testing. Allele origin: germline.
Comment: The MYH14 c.4112C>G variant is predicted to result in the amino acid substitution p.Thr1371Arg. To our knowledge, this variant has not been reported in the literature or in a large population database, indicating this variant is rare. At this time, the clinical significance of this variant is uncertain due to the absence of conclusive functional and genetic evidence.